The following is an entry in ClinVar:

ClinVar aggregate classification (germline): Uncertain significance. Review status: criteria provided, single submitter (1 of 4 stars). 2 submissions from 2 submitters: Uncertain significance (1). 1 of the submissions does not count toward it. Last evaluated 2024-11-21.

Conditions:
PRKCB-related disorder. Also called: PRKCB-related condition.

gnomAD v4.1: 3 of 1,614,164 alleles (0.00019%); highest among the groups gnomAD compares: Admixed American, 0.005%; no homozygotes.

Submissions (2):

Ambry Genetics
Classification: Uncertain significance. Last evaluated: 2024-11-21. Review status: criteria provided, single submitter. Criteria: Ambry Variant Classification Scheme 2023. Collection method: clinical testing. Allele origin: germline.

PreventionGenetics, part of Exact Sciences
Classification: Uncertain significance for PRKCB-related condition. Last evaluated: 2024-07-08. Review status: no assertion criteria provided. Collection method: clinical testing. Allele origin: germline. Not counted in ClinVar's aggregate classification.
Comment: The PRKCB c.1018A>C variant is predicted to result in the amino acid substitution p.Thr340Pro. To our knowledge, this variant has not been reported in the literature. This variant is reported in 0.012% of alleles in individuals of Latino descent in gnomAD. At this time, the clinical significance of this variant is uncertain due to the absence of conclusive functional and genetic evidence.

NM_002738.7(PRKCB):c.1018A>C (p.Thr340Pro)

Gene: PRKCB (protein kinase C beta; plus strand). Cytogenetic location: 16p12.2.
Variant type: single nucleotide variant.
Coding change: c.1018A>C on transcript NM_002738.7 (MANE Select); coding-DNA position 1018, A replaced by C.
Protein change: p.Thr340Pro; replaces threonine 340 with proline.
Molecular consequence: missense variant.
Genome position (GRCh38, 1-based): chr16:24,123,934, A>C. VCF-style: chr16-24123934-A-C. GRCh37 (hg19) VCF-style: chr16-24135255-A-C.
Other names: c.1018A>C, p.Thr340Pro (NM_212535.3); c.1018A>C (NM_002738.6); short protein forms T340P.
Identifiers: ClinVar variation 3356712 (VCV003356712.2).